The following is an entry in ClinVar:

ClinVar aggregate classification (germline): Pathogenic (1 of 4 stars; one submission).

Conditions:
Cholestanol storage disease (CTX). Also called: CEREBRAL CHOLESTERINOSIS; CTX: Cerebrotendinous xanthomatosis; Cerebrotendinous Xanthomatosis. Identifiers: Orphanet 909, MedGen C0238052, MONDO:0008948, OMIM 213700.

Submission:

Labcorp Genetics (formerly Invitae), Labcorp
Classification: Pathogenic for Cholestanol storage disease. Last evaluated: 2023-10-23. Review status: criteria provided, single submitter. Criteria: Invitae Variant Classification Sherloc (09022015). Collection method: clinical testing. Allele origin: germline.
Comment: This sequence change creates a premature translational stop signal (p.Gln373Lysfs*35) in the CYP27A1 gene. It is expected to result in an absent or disrupted protein product. Loss-of-function variants in CYP27A1 are known to be pathogenic (PMID: 9392430, 10775536, 26937392). This variant is not present in population databases (gnomAD no frequency). This variant has not been reported in the literature in individuals affected with CYP27A1-related conditions. Algorithms developed to predict the effect of sequence changes on RNA splicing suggest that this variant may disrupt the consensus splice site. For these reasons, this variant has been classified as Pathogenic.

Literature cited by the submitters: PubMed 9392430; PubMed 10775536; PubMed 26937392.

NM_000784.4(CYP27A1):c.1116del (p.Gln373fs)

Gene: CYP27A1 (cytochrome P450 family 27 subfamily A member 1; plus strand). Cytogenetic location: 2q35.
Variant type: Deletion.
Coding change: c.1116del on transcript NM_000784.4 (MANE Select); coding-DNA position 1116, one base deleted (G; older notation c.1116delG).
Protein change: p.Gln373fs; shifts the reading frame from glutamine 373.
Molecular consequence: frameshift variant.
Genome position (GRCh38, 1-based): chr2:218,814,119, G deleted; the last of 3 consecutive G bases (chr2:218,814,117-218,814,119); deleting any one gives the same sequence. VCF-style (leftmost placement, unchanged base first): chr2-218814116-CG-C. GRCh37 (hg19) VCF-style: chr2-219678839-CG-C.
Other names: short protein forms Q373fs.
Identifiers: ClinVar variation 2771228 (VCV002771228.3), dbSNP rs1943755840, ClinGen allele CA1328929568.